The following is an entry in ClinVar:

NM_000435.3(NOTCH3):c.5942G>A (p.Arg1981His)

Gene: NOTCH3 (notch receptor 3; minus strand). Cytogenetic location: 19p13.12.
Variant type: single nucleotide variant.
Coding change: c.5942G>A on transcript NM_000435.3 (MANE Select); coding-DNA position 5942, G replaced by A.
Protein change: p.Arg1981His; replaces arginine 1981 with histidine.
Molecular consequence: missense variant.
Genome position (GRCh38, 1-based): chr19:15,161,686, C>T on the plus strand (G>A on the coding strand, the complement: NOTCH3 is on the minus strand). VCF-style: chr19-15161686-C-T. GRCh37 (hg19) VCF-style: chr19-15272497-C-T.
Other names: c.5942G>A (NM_000435.2); short protein forms R1981H.
Identifiers: ClinVar variation 2149392 (VCV002149392.7), dbSNP rs771678721, ClinGen allele CA9262459.

ClinVar aggregate classification (germline): Conflicting classifications of pathogenicity. Review status: criteria provided, conflicting classifications (1 of 4 stars). 3 submissions from 3 submitters: Uncertain significance (1); Likely benign (1). 1 of the submissions does not count toward it. Last evaluated 2024-04-15.

Conditions:
NOTCH3-related disorder. Also called: NOTCH3-related disorders; NOTCH3-related condition.
Inborn genetic diseases. Identifiers: MedGen C0950123, MeSH D030342.

Allele frequency attached by ClinVar (database versions not stated): gnomAD 0.00001; gnomAD exomes 0.00001; TOPMed 0.00002; ExAC 0.00003.

Submissions (3):

Ambry Genetics
Classification: Uncertain significance for Inborn genetic diseases. Last evaluated: 2024-04-15. Review status: criteria provided, single submitter. Criteria: Ambry Variant Classification Scheme 2023. Collection method: clinical testing. Allele origin: germline.

Labcorp Genetics (formerly Invitae), Labcorp
Classification: Likely benign. Last evaluated: 2022-04-28. Review status: criteria provided, single submitter. Criteria: Invitae Variant Classification Sherloc (09022015). Collection method: clinical testing. Allele origin: germline.

PreventionGenetics, part of Exact Sciences
Classification: Uncertain significance for NOTCH3-related condition. Last evaluated: 2023-12-09. Review status: no assertion criteria provided. Collection method: clinical testing. Allele origin: germline. Not counted in ClinVar's aggregate classification.
Comment: The NOTCH3 c.5942G>A variant is predicted to result in the amino acid substitution p.Arg1981His. To our knowledge, this variant has not been reported in the literature. This variant is reported in 0.0066% of alleles in individuals of South Asian descent in gnomAD. At this time, the clinical significance of this variant is uncertain due to the absence of conclusive functional and genetic evidence.